The following is an entry in ClinVar:

NC_000006.12:g.46080190G>A

Gene: CLIC5 (CLIC family member 5; minus strand). Cytogenetic location: 6p21.1.
Variant type: single nucleotide variant.
Molecular consequence: missense variant (on NM_001114086.2). On other transcripts: intron variant (1).
Genome position: GRCh38 VCF-style: chr6-46080190-G-A. GRCh37 (hg19) VCF-style: chr6-46047927-G-A.
Other names: c.53C>T, p.Thr18Met (NM_001114086.2, NM_001370650.1); c.-55+49314C>T (NM_001370649.1); short protein forms T18M.
Identifiers: ClinVar variation 667095 (VCV000667095.8), dbSNP rs759950763, ClinGen allele CA3837003.

ClinVar aggregate classification (germline): Conflicting classifications of pathogenicity. Review status: criteria provided, conflicting classifications (1 of 4 stars). 3 submissions from 3 submitters: Uncertain significance (1); Likely benign (2). Last evaluated 2024-12-23.

Allele frequency attached by ClinVar (database versions not stated): TOPMed 0.00007; gnomAD 0.00008; ExAC 0.00009; gnomAD exomes 0.00006.
gnomAD v4.1: 60 of 1,551,440 alleles (0.0039%); highest among the groups gnomAD compares: East Asian, 0.0049%; no homozygotes.

Submissions (3):

Labcorp Genetics (formerly Invitae), Labcorp
Classification: Uncertain significance. Last evaluated: 2024-12-23. Review status: criteria provided, single submitter. Criteria: Invitae Variant Classification Sherloc (09022015). Collection method: clinical testing. Allele origin: germline.
Comment: This sequence change replaces threonine, which is neutral and polar, with methionine, which is neutral and non-polar, at codon 18 of the CLIC5 protein (p.Thr18Met). This variant is present in population databases (rs759950763, gnomAD 0.01%). This variant has not been reported in the literature in individuals affected with CLIC5-related conditions. ClinVar contains an entry for this variant (Variation ID: 667095). An algorithm developed to predict the effect of missense changes on protein structure and function outputs the following: PolyPhen-2: "Benign". The methionine amino acid residue is found in multiple mammalian species, which suggests that this missense change does not adversely affect protein function. In summary, the available evidence is currently insufficient to determine the role of this variant in disease. Therefore, it has been classified as a Variant of Uncertain Significance.

Laboratory for Molecular Medicine, Mass General Brigham Personalized Medicine
Classification: Likely benign. Last evaluated: 2018-06-28. Review status: criteria provided, single submitter. Criteria: LMM Criteria. Collection method: clinical testing. Allele origin: germline. Observed: 1 variant allele.
Comment: The p.Thr18Met variant in CLIC5 is classified as likely benign due to a lack of conservation across species, including mammals. Of note, >10 species have a meth ionine (Met) at this position. It has been identified in 0.01% (8/72816) of Eur opean chromosomes by the Genome Aggregation Database (gnomAD). ACMG/AMP Criteria applied: BP4_Strong.

Breakthrough Genomics
Classification: Likely benign. Review status: criteria provided, single submitter. Criteria: ACMG Guidelines, 2015. Collection method: not provided. Allele origin: germline. Inheritance: Autosomal recessive inheritance. Affected: yes.